The following is an entry in ClinVar:

ClinVar aggregate classification (germline): Likely benign (1 of 4 stars; one submission).

Allele frequency attached by ClinVar (database versions not stated): ExAC 0.00003; gnomAD 0.00003 and 0.00004; TOPMed 0.00003.
gnomAD v4.1: 52 of 1,610,558 alleles (0.0032%); highest among the groups gnomAD compares: African/African-American, 0.0094%; no homozygotes.

Submission:

GeneDx
Classification: Likely benign. Last evaluated: 2016-12-27. Review status: criteria provided, single submitter. Criteria: GeneDx Variant Classification (06012015). Collection method: clinical testing. Allele origin: germline. Affected: yes.
Comment: This variant is considered likely benign or benign based on one or more of the following criteria: it is a conservative change, it occurs at a poorly conserved position in the protein, it is predicted to be benign by multiple in silico algorithms, and/or has population frequency not consistent with disease.

NM_032609.3(COX4I2):c.234C>T (p.Ala78=)

Gene: COX4I2 (cytochrome c oxidase subunit 4I2; plus strand). Cytogenetic location: 20q11.21.
Variant type: single nucleotide variant.
Coding change: c.234C>T on transcript NM_032609.3 (MANE Select); coding-DNA position 234, C replaced by T.
Protein change: p.Ala78=; no amino-acid change (alanine 78 retained).
Molecular consequence: synonymous variant.
Genome position (GRCh38, 1-based): chr20:31,640,084, C>T. VCF-style: chr20-31640084-C-T. GRCh37 (hg19) VCF-style: chr20-30227887-C-T.
Identifiers: ClinVar variation 391212 (VCV000391212.1), dbSNP rs777150879, ClinGen allele CA9801895.